The following is an entry in ClinVar:

ClinVar aggregate classification (germline): Uncertain significance. Review status: criteria provided, multiple submitters, no conflicts (2 of 4 stars). 2 submissions from 2 submitters: Uncertain significance (2). Last evaluated 2024-05-14.

Conditions:
Hereditary cancer-predisposing syndrome. Also called: Neoplastic Syndromes, Hereditary; Hereditary Cancer Syndrome; Hereditary neoplastic syndrome; Tumor predisposition. Identifiers: Orphanet 140162, MedGen C0027672, MeSH D009386, MONDO:0015356.
Familial adenomatous polyposis 2. Also called: COLORECTAL ADENOMATOUS POLYPOSIS, AUTOSOMAL RECESSIVE; ADENOMAS, MULTIPLE COLORECTAL, AUTOSOMAL RECESSIVE; Adenomas, multiple colorectal; FAP type 2; MUTYH Polyposis; MUTYH-associated polyposis. Identifiers: Orphanet 220460, Orphanet 247798, MedGen C3272841, MONDO:0012041, OMIM 608456.

Submissions (2):

Labcorp Genetics (formerly Invitae), Labcorp
Classification: Uncertain significance for Familial adenomatous polyposis 2. Last evaluated: 2024-05-14. Review status: criteria provided, single submitter. Criteria: Invitae Variant Classification Sherloc (09022015). Collection method: clinical testing. Allele origin: germline.
Comment: This sequence change replaces glutamine, which is neutral and polar, with proline, which is neutral and non-polar, at codon 268 of the MUTYH protein (p.Gln268Pro). This variant is not present in population databases (gnomAD no frequency). This variant has not been reported in the literature in individuals affected with MUTYH-related conditions. ClinVar contains an entry for this variant (Variation ID: 1009620). An algorithm developed to predict the effect of missense changes on protein structure and function (PolyPhen-2) suggests that this variant is likely to be disruptive. In summary, the available evidence is currently insufficient to determine the role of this variant in disease. Therefore, it has been classified as a Variant of Uncertain Significance.

Ambry Genetics
Classification: Uncertain significance for Hereditary cancer-predisposing syndrome. Last evaluated: 2024-02-16. Review status: criteria provided, single submitter. Criteria: Ambry Variant Classification Scheme 2023. Collection method: clinical testing. Allele origin: germline.
Comment: The p.Q268P variant (also known as c.803A>C), located in coding exon 10 of the MUTYH gene, results from an A to C substitution at nucleotide position 803. The glutamine at codon 268 is replaced by proline, an amino acid with similar properties. This amino acid position is not well conserved in available vertebrate species. In addition, the in silico prediction for this alteration is inconclusive. Based on the available evidence, the clinical significance of this alteration remains unclear.

NM_001048174.2(MUTYH):c.719A>C (p.Gln240Pro)

Gene: MUTYH (mutY DNA glycosylase; minus strand). Cytogenetic location: 1p34.1.
Variant type: single nucleotide variant.
Coding change: c.719A>C on transcript NM_001048174.2 (MANE Select); coding-DNA position 719, A replaced by C.
Protein change: p.Gln240Pro; replaces glutamine 240 with proline.
Molecular consequence: missense variant. On other transcripts: non-coding transcript variant (2).
Genome position (GRCh38, 1-based): chr1:45,332,296, T>G on the plus strand (A>C on the coding strand, the complement: MUTYH is on the minus strand). VCF-style: chr1-45332296-T-G. GRCh37 (hg19) VCF-style: chr1-45797968-T-G.
Other names: c.803A>C (NM_001128425.1); c.719A>C, p.Gln240Pro (NM_001048171.2, NM_001048173.2, NM_001293195.2); c.722A>C, p.Gln241Pro (NM_001048172.2); c.803A>C, p.Gln268Pro (NM_001128425.2); c.764A>C, p.Gln255Pro (NM_001293190.2); c.752A>C, p.Gln251Pro (NM_001293191.2); c.443A>C, p.Gln148Pro (NM_001293192.2, NM_001293196.2); c.374A>C, p.Gln125Pro (NM_001350650.2, NM_001350651.2); and 1 more; short protein forms Q125P, Q148P, Q240P, Q241P, Q251P, Q255P, Q265P, Q268P.
Identifiers: ClinVar variation 1009620 (VCV001009620.10), dbSNP rs1645052808, ClinGen allele CA340134702.